The following is an entry in ClinVar:

ClinVar aggregate classification (germline): Uncertain significance (1 of 4 stars; one submission).

Conditions:
Cranium bifidum occultum. Also called: Enlarged Parietal Foramina; CATLIN MARKS; CRANIUM BIFIDUM, HEREDITARY. Identifiers: MedGen C1868598, HP:0004423.

Allele frequency attached by ClinVar (database versions not stated): gnomAD 0.00001; TOPMed 0.00001.
gnomAD v4.1: 12 of 1,578,636 alleles (0.00076%); highest among the groups gnomAD compares: Admixed American, 0.0037%; no homozygotes.

Submission:

Labcorp Genetics (formerly Invitae), Labcorp
Classification: Uncertain significance for Cranium bifidum occultum. Last evaluated: 2022-02-10. Review status: criteria provided, single submitter. Criteria: Invitae Variant Classification Sherloc (09022015). Collection method: clinical testing. Allele origin: germline.
Comment: This sequence change replaces proline, which is neutral and non-polar, with leucine, which is neutral and non-polar, at codon 28 of the MSX2 protein (p.Pro28Leu). This variant is present in population databases (no rsID available, gnomAD 0.006%). This variant has not been reported in the literature in individuals affected with MSX2-related conditions. Algorithms developed to predict the effect of missense changes on protein structure and function are either unavailable or do not agree on the potential impact of this missense change (SIFT: "Deleterious"; PolyPhen-2: "Benign"; Align-GVGD: "Class C0"). In summary, the available evidence is currently insufficient to determine the role of this variant in disease. Therefore, it has been classified as a Variant of Uncertain Significance.

NM_002449.5(MSX2):c.83C>T (p.Pro28Leu)

Gene: MSX2 (msh homeobox 2; plus strand). Cytogenetic location: 5q35.2.
Variant type: single nucleotide variant.
Coding change: c.83C>T on transcript NM_002449.5 (MANE Select); coding-DNA position 83, C replaced by T.
Protein change: p.Pro28Leu; replaces proline 28 with leucine.
Molecular consequence: missense variant.
Genome position (GRCh38, 1-based): chr5:174,724,742, C>T. VCF-style: chr5-174724742-C-T. GRCh37 (hg19) VCF-style: chr5-174151745-C-T.
Other names: c.83C>T, p.Pro28Leu (NM_001363626.2); short protein forms P28L.
Identifiers: ClinVar variation 1389913 (VCV001389913.6), dbSNP rs1361478485, ClinGen allele CA362229081.